The following is an entry in ClinVar:

ClinVar aggregate classification (germline): Uncertain significance (1 of 4 stars; one submission).

Conditions:
Muscular dystrophy-dystroglycanopathy type B6 (MDDGB6). Also called: MUSCULAR DYSTROPHY, CONGENITAL, LARGE-RELATED; MUSCULAR DYSTROPHY, CONGENITAL, TYPE 1D; MUSCULAR DYSTROPHY-DYSTROGLYCANOPATHY (CONGENITAL WITH IMPAIRED INTELLECTUAL DEVELOPMENT), TYPE B, 6. Identifiers: MedGen C1837229, MONDO:0012138, OMIM 608840.

Allele frequency attached by ClinVar (database versions not stated): gnomAD exomes below 0.00001 and 0.00001; ExAC 0.00001; gnomAD 0.00001.
gnomAD v4.1: 9 of 1,613,878 alleles (0.00056%); highest among the groups gnomAD compares: Non-Finnish European, 0.00076%; no homozygotes.

Submission:

Labcorp Genetics (formerly Invitae), Labcorp
Classification: Uncertain significance for Muscular dystrophy-dystroglycanopathy type B6. Last evaluated: 2021-08-27. Review status: criteria provided, single submitter. Criteria: Invitae Variant Classification Sherloc (09022015). Collection method: clinical testing. Allele origin: germline.
Comment: This sequence change replaces isoleucine with valine at codon 27 of the LARGE1 protein (p.Ile27Val). The isoleucine residue is moderately conserved and there is a small physicochemical difference between isoleucine and valine. This variant is present in population databases (rs772137666, ExAC 0.001%). This variant has not been reported in the literature in individuals affected with LARGE1-related conditions. Algorithms developed to predict the effect of missense changes on protein structure and function output the following: SIFT: "Tolerated"; PolyPhen-2: "Benign"; Align-GVGD: "Class C0". The valine amino acid residue is found in multiple mammalian species, which suggests that this missense change does not adversely affect protein function. In summary, the available evidence is currently insufficient to determine the role of this variant in disease. Therefore, it has been classified as a Variant of Uncertain Significance.

NM_133642.5(LARGE1):c.79A>G (p.Ile27Val)

Gene: LARGE1 (LARGE xylosyl- and glucuronyltransferase 1; minus strand). Cytogenetic location: 22q12.3.
Variant type: single nucleotide variant.
Coding change: c.79A>G on transcript NM_133642.5 (MANE Select); coding-DNA position 79, A replaced by G.
Protein change: p.Ile27Val; replaces isoleucine 27 with valine.
Molecular consequence: missense variant.
Genome position (GRCh38, 1-based): chr22:33,761,398, T>C on the plus strand (A>G on the coding strand, the complement: LARGE1 is on the minus strand). VCF-style: chr22-33761398-T-C. GRCh37 (hg19) VCF-style: chr22-34157385-T-C.
Other names: c.79A>G, p.Ile27Val (NM_001362949.2, NM_001362951.2, NM_001362953.2 and 7 more transcripts); short protein forms I27V.
Identifiers: ClinVar variation 840376 (VCV000840376.7), dbSNP rs772137666, ClinGen allele CA10203173.